The following is an entry in ClinVar:

ClinVar aggregate classification (germline): Pathogenic. Review status: criteria provided, multiple submitters, no conflicts (2 of 4 stars). 12 submissions from 11 submitters: Pathogenic (12). Last evaluated 2025-08-13.
ClinVar aggregate classification (somatic clinical impact): Tier I - Strong (1 of 4 stars; one submission).
ClinVar aggregate classification (oncogenicity): Likely oncogenic (1 of 4 stars; one submission).

Conditions:
Hereditary cancer-predisposing syndrome. Also called: Hereditary neoplastic syndrome; Hereditary Cancer Syndrome; Neoplastic Syndromes, Hereditary; Tumor predisposition. Identifiers: Orphanet 140162, MedGen C0027672, MeSH D009386, MONDO:0015356.
Cardiovascular phenotype. Identifiers: MedGen CN230736.
Inborn genetic diseases. Identifiers: MedGen C0950123, MeSH D030342.
Neurofibromatosis, type 1 (NF1). Also called: Neurofibromatosis, type I; VON RECKLINGHAUSEN DISEASE; NEUROFIBROMATOSIS, TYPE I, SOMATIC; Peripheral type neurofibromatosis. Identifiers: Orphanet 636, MedGen C0027831, MONDO:0018975, OMIM 162200. Disease mechanism: loss of function.
Embryonal rhabdomyosarcoma (ERMS). Also called: Botryoid rhabdomyosarcoma (type of ERMS); Spindle cell rhabdomyosarcomas (type of ERMS). Identifiers: Orphanet 99757, MedGen C0206656, MONDO:0009993, HP:0006743.
Neoplasm. Also called: tumor; Neoplasms; Neoplasm (disease). Identifiers: MedGen C0027651, MeSH D009369, MONDO:0005070, HP:0002664.

Submissions (14):

Labcorp Genetics (formerly Invitae), Labcorp
Classification: Pathogenic for Neurofibromatosis, type 1. Last evaluated: 2025-08-13. Review status: criteria provided, single submitter. Criteria: Invitae Variant Classification Sherloc (09022015). Collection method: clinical testing. Allele origin: germline.
Comment: This sequence change creates a premature translational stop signal (p.Phe1247Ilefs*18) in the NF1 gene. It is expected to result in an absent or disrupted protein product. Loss-of-function variants in NF1 are known to be pathogenic (PMID: 10712197, 23913538). This variant is not present in population databases (gnomAD no frequency). This premature translational stop signal has been observed in individual(s) with neurofibromatosis type I (PMID: 10712197, 18546366). Invitae Evidence Modeling of clinical and family history, age, sex, and reported ancestry of multiple individuals with this NF1 variant has been performed. This variant is expected to be pathogenic with a positive predictive value of at least 99%. This is a validated machine learning model that incorporates the clinical features of 1,785,918 individuals referred to our laboratory for NF1 testing. ClinVar contains an entry for this variant (Variation ID: 420078). For these reasons, this variant has been classified as Pathogenic.

GeneDx
Classification: Pathogenic. Last evaluated: 2025-04-28. Review status: criteria provided, single submitter. Criteria: GeneDx Variant Classification Process June 2021. Collection method: clinical testing. Allele origin: germline. Affected: yes.
Comment: Frameshift variant predicted to result in protein truncation or nonsense mediated decay in a gene for which loss-of-function is a known mechanism of disease; Not observed at significant frequency in large population cohorts (gnomAD); Also known as c.3737_3740delTGTT; This variant is associated with the following publications: (PMID: 18546366, 23913538, 12807981, 10712197, 36612057)

Institute for Genomic Medicine (IGM) Clinical Laboratory, Nationwide Children's Hospital
Classification: Tier I - Strong for Embryonal rhabdomyosarcoma. Assertion type: diagnostic. Clinical significance: supports diagnosis. Last evaluated: 2025-04-02. Review status: criteria provided, single submitter. Criteria: AMP/ASCO/CAP Guidelines, 2017. Collection method: clinical testing. Allele origin: somatic. Affected: yes.
Comment: Variant has Tier I (strong) clinical significance as a diagnostic inclusion criterion in embryonal rhabdomyosarcoma, based on the following evidence: 1) Documented in one or more cancer databases (e.g., St. Jude Pecan, COSMIC, CIViC, OncoKB). 2) Appears in one or more well-established professional guidelines (e.g., World Health Organization [WHO]; National Comprehensive Cancer Network [NCCN]) as providing diagnostic, prognostic, or therapeutic information. 3) Diagnostic for a specific tumor type/classification based on well-powered studies with expert-level consensus (Evidence Level B; PMIDs: 34166060, 24436047, 26138366, 21412928).

Center for Genomic Medicine, Rigshospitalet, Copenhagen University Hospital
Classification: Likely oncogenic for Neoplasm. Last evaluated: 2025-03-04. Review status: criteria provided, single submitter. Criteria: ClinGen/CGC/VICC Guidelines for Oncogenicity, 2022. Collection method: clinical testing. Allele origin: somatic. Affected: yes.

Mayo Clinic Laboratories, Mayo Clinic
Classification: Pathogenic. Last evaluated: 2024-07-30. Review status: criteria provided, single submitter. Criteria: ACMG Guidelines, 2015. Collection method: clinical testing. Allele origin: germline. Observed: 36 variant alleles.
Comment: PP4, PM2, PS4_moderate, PVS1

Molecular Pathology, Peter Maccallum Cancer Centre
Classification: Pathogenic for Neurofibromatosis, type 1. Last evaluated: 2024-05-24. Review status: criteria provided, single submitter. Criteria: ACMG Guidelines, 2015. Collection method: clinical testing. Allele origin: germline. Inheritance: Autosomal dominant inheritance.

Institute of Medical Genetics, University of Zurich
Classification: Pathogenic for Neurofibromatosis, type 1. Last evaluated: 2022-05-24. Review status: criteria provided, single submitter. Criteria: ACMG Guidelines, 2015. Collection method: clinical testing. Allele origin: de novo. Affected: yes.

Genome-Nilou Lab
Classification: Pathogenic for Neurofibromatosis, type 1. Last evaluated: 2022-03-15. Review status: criteria provided, single submitter. Criteria: ACMG Guidelines, 2015. Collection method: clinical testing. Allele origin: germline. Affected: no.

Genome Diagnostics Laboratory, The Hospital for Sick Children
Classification: Pathogenic for Neurofibromatosis, type 1. Last evaluated: 2020-10-26. Review status: criteria provided, single submitter. Criteria: ACMG Guidelines, 2015. Collection method: clinical testing. Allele origin: germline. Affected: yes.

Ambry Genetics
Classification: Pathogenic for Cardiovascular phenotype; Hereditary cancer-predisposing syndrome. Last evaluated: 2019-06-03. Review status: criteria provided, single submitter. Criteria: Ambry General Variant Classification Scheme_2022. Collection method: clinical testing. Allele origin: germline. Observed: 1 variant allele.
Comment: The c.3739_3742delTTTG pathogenic mutation, located in coding exon 28 of the NF1 gene, results from a deletion of 4 nucleotides between nucleotide positions 3739 and 3742, causing a translational frameshift with a predicted alternate stop codon (p.F1247Ifs*18). This mutation has been reported in two individuals with features suggestive of neurofibromatosis type 1 (NF1), at least one of whom met clinical diagnostic criteria for NF1 (Fahsold R et al. Am. J. Hum. Genet. 2000 Mar; 66(3):790-818. Ars E et al. J. Med. Genet. 2003 Jun; 40(6):e82). In addition to the clinical data presented in the literature, this alteration is expected to result in loss of function by premature protein truncation or nonsense-mediated mRNA decay. As such, this alteration is interpreted as a disease-causing mutation.

Clinical Molecular Genetics Laboratory, Johns Hopkins All Children's Hospital
Classification: Pathogenic for Neurofibromatosis, type 1. Last evaluated: 2019-05-22. Review status: criteria provided, single submitter. Criteria: ACMG Guidelines, 2015. Collection method: clinical testing. Allele origin: germline. Inheritance: Autosomal dominant inheritance. Affected: yes. Observed: 1 heterozygote.

Ambry Genetics
Classification: Pathogenic for Inborn genetic diseases. Last evaluated: 2014-06-06. Review status: criteria provided, single submitter. Criteria: Ambry exome assertion method (8-5-2015). Collection method: clinical testing. Allele origin: germline. Affected: yes. Observed: 1 variant allele.

Neuberg Centre For Genomic Medicine, NCGM
Classification: Pathogenic for Neurofibromatosis, type 1. Review status: criteria provided, single submitter. Criteria: ACMG Guidelines, 2015. Collection method: clinical testing. Allele origin: germline. Inheritance: Autosomal dominant inheritance. Affected: yes.
Comment: The frameshift c.3739_3742delp.Phe1247IlefsTer18 variant in NF1 gene has been reported in heterozygous state in multiple individuals affected with neurofibromatosis type 1 Tang J, et. al., 2022; Pemov, A., et al., 2010; Ars E, et. al., 2003. The p.Phe1247IlefsTer18 variant is novel not in any individuals in gnomAD Exomes and 1000 Genomes. This variant has been reported to the ClinVar database as Pathogenic multiple submissions. This variant causes a frameshift starting with codon Phenylalanine 1247, changes this amino acid to Isoleucine residue, and creates a premature Stop codon at position 18 of the new reading frame, denoted p.Phe1247IlefsTer18. This variant is predicted to cause loss of normal protein function through protein truncation. Loss of function variants have been previously reported to be disease causing. For these reasons, this variant has been classified as Pathogenic.

Sun Health (Beijing), Ltd.
Classification: Pathogenic for Neurofibromatosis, type 1. Review status: criteria provided, single submitter. Criteria: ACMG Guidelines, 2015. Collection method: clinical testing. Allele origin: de novo. Affected: yes.
Comment: Neurofibromatosis Type 1 (NF1) is an autosomal dominant disorder caused by mutations in the NF1 gene located at chromosome 17q11.2. This condition is characterized by highly recognizable clinical features, including cutaneous café-au-lait macules, multiple neurofibromas, Lisch nodules of the iris, and optic pathway gliomas, with potential multisystem involvement affecting the skin, nervous system, bones, gastrointestinal tract, and cardiovascular system. This variant involves a deletion of nucleotides at positions 3739–3742 in the NF1 gene, resulting in the substitution of phenylalanine at position 1247 with isoleucine and the introduction of a premature stop codon 18 amino acids downstream. This leads to truncated protein synthesis, affecting protein structure and function. The variant is located in exon 28, within the GRD functional region, which strongly supports its pathogenic potential.

Literature cited by the submitters: PubMed 10712197 (cited by 4 submitters); PubMed 23913538 (cited by Labcorp Genetics (formerly Invitae), Labcorp and Mayo Clinic Laboratories, Mayo Clinic); PubMed 18546366 (cited by Labcorp Genetics (formerly Invitae), Labcorp and Mayo Clinic Laboratories, Mayo Clinic); PubMed 34166060 (cited by Institute for Genomic Medicine (IGM) Clinical Laboratory, Nationwide Children's Hospital); PubMed 24436047 (cited by Institute for Genomic Medicine (IGM) Clinical Laboratory, Nationwide Children's Hospital); PubMed 26138366 (cited by Institute for Genomic Medicine (IGM) Clinical Laboratory, Nationwide Children's Hospital); PubMed 21412928 (cited by Institute for Genomic Medicine (IGM) Clinical Laboratory, Nationwide Children's Hospital); PubMed 34046057 (cited by Center for Genomic Medicine, Rigshospitalet, Copenhagen University Hospital); PubMed 12807981 (cited by 3 submitters); PubMed 36612057 (cited by Mayo Clinic Laboratories, Mayo Clinic).

NM_001042492.3(NF1):c.3739_3742del (p.Phe1247fs)

Gene: NF1 (neurofibromin 1; plus strand). Cytogenetic location: 17q11.2.
Variant type: Deletion.
Coding change: c.3739_3742del on transcript NM_001042492.3 (MANE Select); coding-DNA positions 3739 to 3742, 4 bases deleted (TTTG; older notation c.3739_3742delTTTG).
Protein change: p.Phe1247fs; shifts the reading frame from phenylalanine 1247.
Molecular consequence: frameshift variant.
Genome position (GRCh38, 1-based): chr17:31,235,641-31,235,644, TTTG deleted; deleting any 4 consecutive bases within chr17:31,235,639-31,235,644 gives the same sequence; the c. name uses the placement nearest the transcript's 3' end. VCF-style (leftmost placement, unchanged base first): chr17-31235638-CTGTT-C. GRCh37 (hg19) VCF-style: chr17-29562656-CTGTT-C.
Other names: p.Phe1247Ilefs*18; c.3739_3742delTTTG (NM_000267.3); c.3739_3742delTTTG, p.Phe1247Ilefs (NM_000267.4); short protein forms F1247fs.
Identifiers: ClinVar variation 420078 (VCV000420078.85), dbSNP rs1064794276, ClinGen allele CA16620366.
Genomic context (GRCh38, chr17:31,235,638, plus strand): 5'-GTTTGCACTAACCTGATTTTGTTTTGTTCTCAGGATGAACTAGCTCGAGTTCTGGTTACT[CTGTT>C]TGATTCTCGGCATTTACTCTACCAACTGCTCTGGAACATGTTTTCTAAAGAAGTAGAATT-3'